The following is an entry in ClinVar:

ClinVar aggregate classification (germline): Pathogenic/Likely pathogenic. Review status: criteria provided, multiple submitters, no conflicts (2 of 4 stars). 12 submissions from 9 submitters: Pathogenic (6); Likely pathogenic (2). 4 of the submissions do not count toward it. Last evaluated 2025-11-11.

Conditions:
G6PD GASTONIA.
G6PD MARION.
G6PD MINNESOTA.
Anemia, nonspherocytic hemolytic, due to G6PD deficiency (CNSHA1). Also called: Class I glucose-6-phosphate dehydrogenase deficiency; ANEMIA, CONGENITAL, NONSPHEROCYTIC HEMOLYTIC, 1; Hemolytic anemia due to G6PD deficiency; Favism, susceptibility to. Identifiers: Orphanet 466026, MedGen C2720289, MONDO:0010480, OMIM 300908.

Allele frequency attached by ClinVar (database versions not stated): TOPMed below 0.00001.

Submissions (12):

Labcorp Genetics (formerly Invitae), Labcorp
Classification: Pathogenic for Anemia, nonspherocytic hemolytic, due to G6PD deficiency. Last evaluated: 2025-11-11. Review status: criteria provided, single submitter. Criteria: Invitae Variant Classification Sherloc (09022015). Collection method: clinical testing. Allele origin: germline.
Comment: This sequence change replaces valine, which is neutral and non-polar, with leucine, which is neutral and non-polar, at codon 213 of the G6PD protein (p.Val213Leu). This variant is not present in population databases (gnomAD no frequency). This missense change has been observed in individual(s) with glucose-6-phosphate dehydrogenase deficiency (PMID: 1805484, 1999409, 34773909; internal data). It has also been observed to segregate with disease in related individuals. This variant is also known as G6PD Gastonia. ClinVar contains an entry for this variant (Variation ID: 10383). Invitae Evidence Modeling of protein sequence and biophysical properties (such as structural, functional, and spatial information, amino acid conservation, physicochemical variation, residue mobility, and thermodynamic stability) indicates that this missense variant is expected to disrupt G6PD protein function with a positive predictive value of 80%. For these reasons, this variant has been classified as Pathogenic.

Revvity Omics, Revvity
Classification: Pathogenic for Anemia, nonspherocytic hemolytic, due to G6PD deficiency. Last evaluated: 2025-01-09. Review status: criteria provided, single submitter. Criteria: ACMG Guidelines, 2015. Collection method: clinical testing. Allele origin: germline.

Dunham Lab, University of Washington
Classification: Pathogenic for Anemia, nonspherocytic hemolytic, due to G6PD deficiency. Last evaluated: 2022-08-12. Review status: criteria provided, single submitter. Criteria: Bayesian ACMG Guidelines, 2018. Collection method: curation. Allele origin: unknown. Affected: yes.
Comment: Variant found in unrelated hemizygotes with deficiency and CNSHA (PS4_M, PP4). Decreased activity in red blood cells (3-9%) (PS3). Below expected carrier frequency in gnomAD (PM2). Reported as pathogenic by multiple clinical testing groups (PP5). Post_P 0.994 (odds of pathogenicity 1517, Prior_P 0.1).

Centre of Medical Genetics, University Hospital Muenster
Classification: Likely pathogenic. Last evaluated: 2021-12-08. Review status: criteria provided, single submitter. Criteria: ACMG Guidelines, 2015. Collection method: clinical testing. Allele origin: unknown. Affected: yes. Observed: 1 variant allele, 1 homozygote.
Comment: ACMG categories: PS3,PM2,PP2,PP3,BP1

ARUP Laboratories, Molecular Genetics and Genomics, ARUP Laboratories
Classification: Pathogenic. Last evaluated: 2021-11-24. Review status: criteria provided, single submitter. Criteria: ARUP Molecular Germline Variant Investigation Process 2021. Collection method: clinical testing. Allele origin: germline.
Comment: The G6PD c.637G>T; p.Val213Leu variant (rs137852326), also known as G6PD Marion, G6PD Gastonia and G6PD Minnesota, is reported in the literature in individuals with G6PD deficiency and nonspherocytic hemolytic anemia (Buetler 1991). In addition, this variant has also been reported in an infant with severe hyperbilirubinemia and cholestasis in conjunction with G6PD Cincinnati (Mizukawa 2011). Functional analyses of the variant protein show a significant reduction in enzymatic activity (Buetler 1991). This variant is also reported in ClinVar (Variation ID: 10383). This variant is only observed on one allele in the Genome Aggregation Database, indicating it is not a common polymorphism. The valine at codon 213 is highly conserved, but computational analyses are uncertain whether this variant is neutral or deleterious (REVEL: 0.688). Considering available information, this variant is classified as a class I pathogenic variant. References: Beutler E et al. DNA sequence abnormalities of human glucose-6-phosphate dehydrogenase variants. J Biol Chem. 1991 Mar 5;266(7):4145-50. Mizukawa B et al. Cooperating G6PD mutations associated with severe neonatal hyperbilirubinemia and cholestasis. Pediatr Blood Cancer. 2011 May;56(5):840-2.

Mayo Clinic Laboratories, Mayo Clinic
Classification: Likely pathogenic. Last evaluated: 2019-12-16. Review status: criteria provided, single submitter. Criteria: ACMG Guidelines, 2015. Collection method: clinical testing. Allele origin: germline. Observed: 1 variant allele.
Comment: PS4_moderate, PM1, PM2, PP5, BP4

Courtagen Diagnostics Laboratory, Courtagen Life Sciences
Classification: Pathogenic for Hemolytic anemia due to G6PD deficiency. Last evaluated: 2014-08-28. Review status: criteria provided, single submitter. Criteria: Courtagen Life Sciences Classifications. Collection method: clinical testing. Allele origin: germline.

Eurofins Ntd Llc (ga)
Classification: Pathogenic. Last evaluated: 2012-08-21. Review status: criteria provided, single submitter. Criteria: EGL Classification Definitions. Collection method: clinical testing. Allele origin: germline. Observed: 4 variant alleles, 1 heterozygote, 3 hemizygotes.

OMIM
Classification: other for G6PD GASTONIA. Last evaluated: 1990-12-01. Review status: no assertion criteria provided. Collection method: literature only. Allele origin: germline. Not counted in ClinVar's aggregate classification.

OMIM
Classification: other for G6PD MARION. Last evaluated: 1990-12-01. Review status: no assertion criteria provided. Collection method: literature only. Allele origin: germline. Not counted in ClinVar's aggregate classification.

OMIM
Classification: other for G6PD MINNESOTA. Last evaluated: 1990-12-01. Review status: no assertion criteria provided. Collection method: literature only. Allele origin: germline. Not counted in ClinVar's aggregate classification.

OMIM
Classification: Pathogenic for ANEMIA, CONGENITAL, NONSPHEROCYTIC HEMOLYTIC, 1. Last evaluated: 1990-12-01. Review status: no assertion criteria provided. Collection method: literature only. Allele origin: germline. Not counted in ClinVar's aggregate classification.

Literature cited by the submitters: PubMed 1805484 (cited by Labcorp Genetics (formerly Invitae), Labcorp and Mayo Clinic Laboratories, Mayo Clinic); PubMed 1999409 (cited by 3 submitters); PubMed 34773909 (cited by Labcorp Genetics (formerly Invitae), Labcorp); PubMed 2190319 (cited by Dunham Lab, University of Washington); PubMed 7858267 (cited by Dunham Lab, University of Washington); PubMed 20949590 (cited by Mayo Clinic Laboratories, Mayo Clinic); PubMed 1978554 (cited by OMIM).

NM_000402.4(G6PD):c.727G>T (p.Val243Leu)

Gene: G6PD (glucose-6-phosphate dehydrogenase; minus strand). Cytogenetic location: Xq28.
Variant type: single nucleotide variant.
Coding change: c.727G>T on transcript NM_000402.4; coding-DNA position 727, G replaced by T.
Protein change: p.Val243Leu; replaces valine 243 with leucine.
Molecular consequence: missense variant.
Genome position (GRCh38, 1-based): chrX:154,534,345, C>A on the plus strand (G>T on the coding strand, the complement: G6PD is on the minus strand). VCF-style: chrX-154534345-C-A. GRCh37 (hg19) VCF-style: chrX-153762560-C-A.
Other names: G6PD, VAL213LEU; G6PD Minnesota; G6PD Gastonia; G6PD LeJeune; G6PD Marion; c.637G>T, p.Val213Leu (NM_001042351.3, NM_001360016.2); short protein forms V213L, V243L.
Identifiers: ClinVar variation 10383 (VCV000010383.34), dbSNP rs137852326, ClinGen allele CA120984.